The following is an entry in ClinVar:

ClinVar aggregate classification (germline): Uncertain significance (1 of 4 stars; one submission).

Allele frequency attached by ClinVar (database versions not stated): ExAC 0.00001.
gnomAD v4.1: 1 of 1,613,142 alleles (0.000062%); highest among the groups gnomAD compares: East Asian, 0.0022%; no homozygotes.

Submission:

GeneDx
Classification: Uncertain significance. Last evaluated: 2023-12-09. Review status: criteria provided, single submitter. Criteria: GeneDx Variant Classification Process June 2021. Collection method: clinical testing. Allele origin: germline. Affected: yes.
Comment: In silico analysis supports that this missense variant has a deleterious effect on protein structure/function; Has not been previously published as pathogenic or benign to our knowledge

NM_001394998.1(TANC2):c.1090C>G (p.Pro364Ala)

Gene: TANC2 (tetratricopeptide repeat, ankyrin repeat and coiled-coil containing 2; plus strand). Cytogenetic location: 17q23.3.
Variant type: single nucleotide variant.
Coding change: c.1090C>G on transcript NM_001394998.1 (MANE Select); coding-DNA position 1090, C replaced by G.
Protein change: p.Pro364Ala; replaces proline 364 with alanine.
Molecular consequence: missense variant.
Genome position (GRCh38, 1-based): chr17:63,267,804, C>G. VCF-style: chr17-63267804-C-G. GRCh37 (hg19) VCF-style: chr17-61345165-C-G.
Other names: c.868C>G, p.Pro290Ala (NM_001411076.1, NM_025185.4); short protein forms P290A, P364A.
Identifiers: ClinVar variation 3252966 (VCV003252966.1), dbSNP rs764880643.
Genomic context (GRCh38, chr17:63,267,804, plus strand): 5'-TCAGCCACCAGCTCTGCCCACTTGGAAGACCTTGCTTACCTGGATGAGCAGAGACATACA[C>G]CTTTGAGAACTTCTCTACGAATGCCAAGACAGAGCATGGGTGGTGCTCGCACACAGCAGG-3'
Protein context (NP_001381927.1, residues 354-374): LAYLDEQRHT[Pro364Ala]LRTSLRMPRQ